The following is an entry in ClinVar:

NM_173598.6(KSR2):c.130A>G (p.Lys44Glu)

Gene: KSR2 (kinase suppressor of ras 2; minus strand). Cytogenetic location: 12q24.23.
Variant type: single nucleotide variant.
Coding change: c.130A>G on transcript NM_173598.6 (MANE Select); coding-DNA position 130, A replaced by G.
Protein change: p.Lys44Glu; replaces lysine 44 with glutamic acid.
Molecular consequence: missense variant.
Genome position (GRCh38, 1-based): chr12:117,968,126, T>C on the plus strand (A>G on the coding strand, the complement: KSR2 is on the minus strand). VCF-style: chr12-117968126-T-C. GRCh37 (hg19) VCF-style: chr12-118405931-T-C.
Other names: short protein forms K44E.
Identifiers: ClinVar variation 4991623 (VCV004991623.1).

ClinVar aggregate classification (germline): Uncertain significance (1 of 4 stars; one submission).

Conditions:
KSR2-related disorder. Also called: KSR2-related condition.

gnomAD v4.1: 3 of 1,611,286 alleles (0.00019%); highest among the groups gnomAD compares: Non-Finnish European, 0.00025%; no homozygotes.

Submission:

PreventionGenetics, part of Exact Sciences
Classification: Uncertain significance for KSR2-related condition. Last evaluated: 2026-03-04. Review status: criteria provided, single submitter. Criteria: ACMG Guidelines, 2015. Collection method: clinical testing. Allele origin: germline.
Comment: The KSR2 c.43A>G variant is predicted to result in the amino acid substitution p.Lys15Glu. To our knowledge, this variant has not been reported in the literature or in a large population database (gnomAD), indicating this variant is rare. At this time, the clinical significance of this variant is uncertain due to the absence of conclusive functional and genetic evidence.